The following is an entry in ClinVar:

NM_000038.6(APC):c.412G>T (p.Glu138Ter)

Gene: APC (APC regulator of Wnt signaling pathway; plus strand). Cytogenetic location: 5q22.2.
Variant type: single nucleotide variant.
Coding change: c.412G>T on transcript NM_000038.6 (MANE Select); coding-DNA position 412, G replaced by T.
Protein change: p.Glu138Ter; replaces glutamic acid 138 with a stop codon.
Molecular consequence: nonsense. On other transcripts: 5 prime UTR variant (1).
Genome position (GRCh38, 1-based): chr5:112,767,380, G>T. VCF-style: chr5-112767380-G-T. GRCh37 (hg19) VCF-style: chr5-112103077-G-T.
Other names: c.412G>T, p.Glu138Ter (NM_001127510.3, NM_001354895.2, NM_001354896.2 and 2 more transcripts); c.442G>T, p.Glu148Ter (NM_001127511.3, NM_001354897.2, NM_001354902.2); c.337G>T, p.Glu113Ter (NM_001354898.2, NM_001354904.2); c.235G>T, p.Glu79Ter (NM_001354900.2, NM_001354901.2, NM_001354905.2); c.-624G>T (NM_001354906.2); short protein forms E113*, E138*, E148*, E79*.
Identifiers: ClinVar variation 1685521 (VCV001685521.4), dbSNP rs1756477033, ClinGen allele CA16022222.

ClinVar aggregate classification (germline): Pathogenic. Review status: criteria provided, multiple submitters, no conflicts (2 of 4 stars). 2 submissions from 2 submitters: Pathogenic (2). Last evaluated 2024-01-03.

Conditions:
Colorectal cancer. Also called: Colorectal cancer, somatic; Malignant Colorectal Neoplasm. Identifiers: MedGen C0346629, MONDO:0005575, OMIM 114500.
Familial adenomatous polyposis 1 (FAP1). Also called: FAMILIAL ADENOMATOUS POLYPOSIS 1, ATTENUATED; POLYPOSIS, ADENOMATOUS INTESTINAL. Identifiers: MedGen C2713442, MONDO:0021056, OMIM 175100. Disease mechanism: loss of function.

Submissions (2):

Labcorp Genetics (formerly Invitae), Labcorp
Classification: Pathogenic for Familial adenomatous polyposis 1. Last evaluated: 2024-01-03. Review status: criteria provided, single submitter. Criteria: Invitae Variant Classification Sherloc (09022015). Collection method: clinical testing. Allele origin: germline.
Comment: This sequence change creates a premature translational stop signal (p.Glu138*) in the APC gene. It is expected to result in an absent or disrupted protein product. Loss-of-function variants in APC are known to be pathogenic (PMID: 17963004, 20685668). This variant is not present in population databases (gnomAD no frequency). This variant has not been reported in the literature in individuals affected with APC-related conditions. ClinVar contains an entry for this variant (Variation ID: 1685521). For these reasons, this variant has been classified as Pathogenic.

Mendelics
Classification: Pathogenic for Colorectal cancer. Last evaluated: 2022-05-04. Review status: criteria provided, single submitter. Criteria: Mendelics Assertion Criteria 2019. Collection method: clinical testing. Allele origin: germline.

Literature cited by the submitters: PubMed 17963004 (cited by Labcorp Genetics (formerly Invitae), Labcorp); PubMed 20685668 (cited by Labcorp Genetics (formerly Invitae), Labcorp).